The following is an entry in ClinVar:

NM_001394998.1(TANC2):c.4900A>G (p.Ser1634Gly)

Gene: TANC2 (tetratricopeptide repeat, ankyrin repeat and coiled-coil containing 2; plus strand). Cytogenetic location: 17q23.3.
Variant type: single nucleotide variant.
Coding change: c.4900A>G on transcript NM_001394998.1 (MANE Select); coding-DNA position 4900, A replaced by G.
Protein change: p.Ser1634Gly; replaces serine 1634 with glycine.
Molecular consequence: missense variant.
Genome position (GRCh38, 1-based): chr17:63,420,630, A>G. VCF-style: chr17-63420630-A-G. GRCh37 (hg19) VCF-style: chr17-61497991-A-G.
Other names: c.4678A>G, p.Ser1560Gly (NM_001411076.1); c.4648A>G, p.Ser1550Gly (NM_025185.4); c.4648A>G (NM_025185.3); short protein forms S1550G, S1560G, S1634G.
Identifiers: ClinVar variation 3391264 (VCV003391264.2).
Genomic context (GRCh38, chr17:63,420,630, plus strand): 5'-AGCCCTCCCCCTTCCCCTCTCCGGAGAGGCCCTCAGTATCGGGCCAGCCCTCCAGCTGAA[A>G]GTATGAGTGTCTATAGATCCCAGTCTGGTTCACCCGTGCGCTATCAGCAGGAAACAAGCG-3'
Protein context (NP_001381927.1, residues 1624-1644): PQYRASPPAE[Ser1634Gly]MSVYRSQSGS

ClinVar aggregate classification (germline): Uncertain significance. Review status: criteria provided, multiple submitters, no conflicts (2 of 4 stars). 2 submissions from 2 submitters: Uncertain significance (2). Last evaluated 2025-03-27.

Conditions:
Intellectual developmental disorder with autistic features and language delay, with or without seizures. Identifiers: MedGen C5394447, MONDO:0030051, OMIM 618906.
Inborn genetic diseases. Identifiers: MedGen C0950123, MeSH D030342.

gnomAD v4.1: 7 of 1,613,902 alleles (0.00043%); highest among the groups gnomAD compares: South Asian, 0.0066%; no homozygotes.

Submissions (2):

Ambry Genetics
Classification: Uncertain significance for Inborn genetic diseases. Last evaluated: 2025-03-27. Review status: criteria provided, single submitter. Criteria: Ambry Variant Classification Scheme 2023. Collection method: clinical testing. Allele origin: germline.

Neuberg Centre For Genomic Medicine, NCGM
Classification: Uncertain significance for Intellectual developmental disorder with autistic features and language delay, with or without seizures. Last evaluated: 2023-07-22. Review status: criteria provided, single submitter. Criteria: ACMG Guidelines, 2015. Collection method: clinical testing. Allele origin: germline. Inheritance: Autosomal dominant inheritance. Affected: yes.
Comment: The missense variant c.4648A>G p.Ser1550Gly in the TANC2 gene has not been reported previously as a pathogenic variant nor as a benign variant, to our knowledge. This variant is reported with the allele frequency 0.001% in the gnomAD Exomes. The amino acid Serine at position 1550 is changed to a Glycine changing protein sequence and it might alter its composition and physico-chemical properties. Multiple lines of computational evidence SIFT - Damaging and MutationTaster - Disease causing predict a damaging effect on protein structure and function for this variant. The amino acid change p.Ser1550Gly in TANC2 is predicted as conserved by GERP++ and PhyloP across 100 vertebrates. For these reasons, this variant has been classified as Uncertain Significance.